The following is an entry in ClinVar:

NM_022841.7(RFX7):c.4160C>T (p.Ser1387Phe)

Gene: RFX7 (regulatory factor X7; minus strand). Cytogenetic location: 15q21.3.
Variant type: single nucleotide variant.
Coding change: c.4160C>T on transcript NM_022841.7 (MANE Select); coding-DNA position 4160, C replaced by T.
Protein change: p.Ser1387Phe; replaces serine 1387 with phenylalanine.
Molecular consequence: missense variant. On other transcripts: intron variant (1).
Genome position (GRCh38, 1-based): chr15:56,093,568, G>A on the plus strand (C>T on the coding strand, the complement: RFX7 is on the minus strand). VCF-style: chr15-56093568-G-A. GRCh37 (hg19) VCF-style: chr15-56385766-G-A.
Other names: c.3869C>T, p.Ser1290Phe (NM_001368073.2, NM_001368074.1); c.4160C>T, p.Ser1387Phe (NM_001370561.1); c.3804+65C>T (NM_001370554.1); short protein forms S1290F, S1387F.
Identifiers: ClinVar variation 4891098 (VCV004891098.1).

ClinVar aggregate classification (germline): Uncertain significance (1 of 4 stars; one submission).

Submission:

Greenwood Genetic Center Diagnostic Laboratories, Greenwood Genetic Center
Classification: Uncertain significance. Last evaluated: 2026-05-21. Review status: criteria provided, single submitter. Criteria: ACMG Guidelines, 2015. Collection method: clinical testing. Allele origin: germline.
Comment: PM2